The following is an entry in ClinVar:

ClinVar aggregate classification (germline): Benign/Likely benign. Review status: criteria provided, multiple submitters, no conflicts (2 of 4 stars). 5 submissions from 5 submitters: Benign (1); Likely benign (3). 1 of the submissions does not count toward it. Last evaluated 2025-11-27.

Conditions:
CACNA1G-related disorder. Also called: CACNA1G-related condition; CACNA1G-related disorders.
Inborn genetic diseases. Identifiers: MedGen C0950123, MeSH D030342.

Allele frequency attached by ClinVar (database versions not stated): gnomAD exomes 0.00002 and 0.00006; ExAC 0.00006; gnomAD 0.00018 and 0.00021; TOPMed 0.00021; ESP Exome Variant Server 0.00025.
gnomAD v4.1: 56 of 1,613,188 alleles (0.0035%); highest among the groups gnomAD compares: African/African-American, 0.059%; 1 homozygote.

Submissions (5):

Labcorp Genetics (formerly Invitae), Labcorp
Classification: Likely benign. Last evaluated: 2025-11-27. Review status: criteria provided, single submitter. Criteria: Invitae Variant Classification Sherloc (09022015). Collection method: clinical testing. Allele origin: germline.

Laboratory of Genetics, Children's Clinical University Hospital Latvia
Classification: Likely benign. Last evaluated: 2025-02-16. Review status: criteria provided, single submitter. Criteria: ACMG Guidelines, 2015. Collection method: clinical testing. Allele origin: germline. Affected: yes.

Mayo Clinic Laboratories, Mayo Clinic
Classification: Benign. Last evaluated: 2024-12-11. Review status: criteria provided, single submitter. Criteria: ACMG Guidelines, 2015. Collection method: clinical testing. Allele origin: germline. Observed: 1 variant allele.
Comment: BS2, BS4, BP4

Ambry Genetics
Classification: Likely benign for Inborn genetic diseases. Last evaluated: 2022-11-10. Review status: criteria provided, single submitter. Criteria: Ambry Variant Classification Scheme 2023. Collection method: clinical testing. Allele origin: germline.

PreventionGenetics, part of Exact Sciences
Classification: Likely benign for CACNA1G-related condition. Last evaluated: 2022-04-11. Review status: no assertion criteria provided. Collection method: clinical testing. Allele origin: germline. Not counted in ClinVar's aggregate classification.
Comment: This variant is classified as likely benign based on ACMG/AMP sequence variant interpretation guidelines (Richards et al. 2015 PMID: 25741868, with internal and published modifications).

Literature cited by the submitters: PubMed 30586538 (cited by Mayo Clinic Laboratories, Mayo Clinic).

NM_018896.5(CACNA1G):c.2135G>A (p.Arg712Gln)

Gene: CACNA1G (calcium voltage-gated channel subunit alpha1 G; plus strand). Cytogenetic location: 17q21.33.
Variant type: single nucleotide variant.
Coding change: c.2135G>A on transcript NM_018896.5 (MANE Select); coding-DNA position 2135, G replaced by A.
Protein change: p.Arg712Gln; replaces arginine 712 with glutamine.
Molecular consequence: missense variant. On other transcripts: non-coding transcript variant (5).
Genome position (GRCh38, 1-based): chr17:50,578,398, G>A. VCF-style: chr17-50578398-G-A. GRCh37 (hg19) VCF-style: chr17-48655759-G-A.
Other names: p.Arg712Gln; c.2135G>A (NM_018896.4, NM_018896.3); c.2135G>A, p.Arg712Gln (NM_001256324.2, NM_001256325.2, NM_001256326.2 and 24 more transcripts); short protein forms R712Q.
Identifiers: ClinVar variation 1155075 (VCV001155075.14), dbSNP rs369974810, ClinGen allele CA8652343.